The following is an entry in ClinVar:

NM_152743.4(BRAT1):c.1598-4C>A

Gene: BRAT1 (BRCA1 associated ATM activator 1; minus strand). Cytogenetic location: 7p22.3.
Variant type: single nucleotide variant.
Coding change: c.1598-4C>A on transcript NM_152743.4 (MANE Select); 4 bases into the intron before coding-DNA position 1598, C replaced by A.
Molecular consequence: intron variant.
Genome position (GRCh38, 1-based): chr7:2,539,355, G>T on the plus strand (C>A on the coding strand, the complement: BRAT1 is on the minus strand). VCF-style: chr7-2539355-G-T. GRCh37 (hg19) VCF-style: chr7-2578989-G-T.
Other names: c.1073-4C>A (NM_001350627.2); c.1598-4C>A (NM_001350626.2).
Identifiers: ClinVar variation 540185 (VCV000540185.13), dbSNP rs375295804, ClinGen allele CA4127654.

ClinVar aggregate classification (germline): Likely benign. Review status: criteria provided, multiple submitters, no conflicts (2 of 4 stars). 2 submissions from 2 submitters: Likely benign (2). Last evaluated 2026-06-10.

Conditions:
BRAT1-related disorder. Also called: BRAT1-related disorders; BRAT1-related condition.
Neonatal-onset encephalopathy with rigidity and seizures. Also called: Lethal neonatal spasticity-epileptic encephalopathy syndrome. Identifiers: Orphanet 435845, MedGen C3281029, MONDO:0013784, OMIM 614498.

Allele frequency attached by ClinVar (database versions not stated): 1000 Genomes Project 30x 0.00047; gnomAD exomes 0.00002 and 0.00005; ExAC 0.00007; ESP Exome Variant Server 0.00008; gnomAD 0.00020 and 0.00022; TOPMed 0.00021; 1000 Genomes Project 0.00040.
gnomAD v4.1: 58 of 1,601,080 alleles (0.0036%); highest among the groups gnomAD compares: African/African-American, 0.068%; no homozygotes.

Submissions (2):

PreventionGenetics, part of Exact Sciences
Classification: Likely benign for BRAT1-related condition. Last evaluated: 2026-06-10. Review status: criteria provided, single submitter. Criteria: ACMG Guidelines, 2015. Collection method: clinical testing. Allele origin: germline.
Comment: This variant is classified as likely benign based on ACMG/AMP sequence variant interpretation guidelines (Richards et al. 2015 PMID: 25741868, with internal and published modifications).

Labcorp Genetics (formerly Invitae), Labcorp
Classification: Likely benign for Neonatal-onset encephalopathy with rigidity and seizures. Last evaluated: 2025-10-01. Review status: criteria provided, single submitter. Criteria: Invitae Variant Classification Sherloc (09022015). Collection method: clinical testing. Allele origin: germline.